The following is an entry in ClinVar:

ClinVar aggregate classification (germline): Benign (1 of 4 stars; one submission).

Conditions:
Warburg micro syndrome 3 (WARBM3). Also called: MICRO SYNDROME 3. Identifiers: Orphanet 2510, MedGen C3280203, MONDO:0013638, OMIM 614222.

Allele frequency attached by ClinVar (database versions not stated): ExAC 0.00195; gnomAD exomes 0.00498 and 0.00812; gnomAD 0.03694 and 0.03943; TOPMed 0.04152; 1000 Genomes Project 0.04393; 1000 Genomes Project 30x 0.04934.
gnomAD v4.1: 7,131 of 454,024 alleles (1.6%); highest among the groups gnomAD compares: African/African-American, 13%; 402 homozygotes.

Submission:

Illumina Laboratory Services, Illumina
Classification: Benign for Warburg micro syndrome 3. Last evaluated: 2018-01-13. Review status: criteria provided, single submitter. Criteria: ICSL Variant Classification Criteria 13 December 2019. Collection method: clinical testing. Allele origin: germline.
Comment: This variant was observed in the ICSL laboratory as part of a predisposition screen in an ostensibly healthy population. It had not been previously curated by ICSL or reported in the Human Gene Mutation Database (HGMD: prior to June 1st, 2018), and was therefore a candidate for classification through an automated scoring system. Utilizing variant allele frequency, disease prevalence and penetrance estimates, and inheritance mode, an automated score was calculated to assess if this variant is too frequent to cause the disease. Based on the score and internal cut-off values, a variant classified as benign is not then subjected to further curation. The score for this variant resulted in a classification of benign for this disease.

NM_021252.5(RAB18):c.*2476G>A

Gene: RAB18 (RAB18, member RAS oncogene family; plus strand). Cytogenetic location: 10p12.1.
Variant type: single nucleotide variant.
Coding change: c.*2476G>A on transcript NM_021252.5 (MANE Select); 2476 bases downstream of the stop codon, G replaced by A.
Molecular consequence: 3 prime UTR variant. On other transcripts: non-coding transcript variant (1).
Genome position (GRCh38, 1-based): chr10:27,540,527, G>A. VCF-style: chr10-27540527-G-A. GRCh37 (hg19) VCF-style: chr10-27829456-G-A.
Other names: c.*2476G>A (NM_001256410.2, NM_001256412.2); c.*2436G>A (NM_001256411.2).
Identifiers: ClinVar variation 299857 (VCV000299857.5), dbSNP rs12267298, ClinGen allele CA5452547.